The following is an entry in ClinVar:

NM_002591.4(PCK1):c.1488C>G (p.His496Gln)

Gene: PCK1 (phosphoenolpyruvate carboxykinase 1; plus strand). Cytogenetic location: 20q13.31.
Variant type: single nucleotide variant.
Coding change: c.1488C>G on transcript NM_002591.4 (MANE Select); coding-DNA position 1488, C replaced by G.
Protein change: p.His496Gln; replaces histidine 496 with glutamine.
Molecular consequence: missense variant.
Genome position (GRCh38, 1-based): chr20:57,565,423, C>G. VCF-style: chr20-57565423-C-G. GRCh37 (hg19) VCF-style: chr20-56140479-C-G.
Other names: short protein forms H496Q.
Identifiers: ClinVar variation 1309576 (VCV001309576.2), dbSNP rs138838198, ClinGen allele CA409437275.
Genomic context (GRCh38, chr20:57,565,423, plus strand): 5'-GCATGACCCCTTTGCCATGCGGCCCTTCTTTGGCTACAACTTCGGCAAATACCTGGCCCA[C>G]TGGCTTAGCATGGCCCAGCACCCAGCAGCCAAACTGCCCAAGATCTTCCATGTCAACTGG-3'
Protein context (NP_002582.3, residues 486-506): FGYNFGKYLA[His496Gln]WLSMAQHPAA

ClinVar aggregate classification (germline): Uncertain significance (1 of 4 stars; one submission).

Submission:

GeneDx
Classification: Uncertain significance. Last evaluated: 2020-04-29. Review status: criteria provided, single submitter. Criteria: GeneDx Variant Classification Process June 2021. Collection method: clinical testing. Allele origin: germline. Affected: yes.
Comment: Has not been previously published as pathogenic or benign to our knowledge; Not observed in large population cohorts (Lek et al., 2016); In silico analysis, which includes protein predictors and evolutionary conservation, supports a deleterious effect